The following is an entry in ClinVar:

NM_001005242.3(PKP2):c.80G>C (p.Ser27Thr)

Gene: PKP2 (plakophilin 2; minus strand). Cytogenetic location: 12p11.21.
Variant type: single nucleotide variant.
Coding change: c.80G>C on transcript NM_001005242.3 (MANE Select); coding-DNA position 80, G replaced by C.
Protein change: p.Ser27Thr; replaces serine 27 with threonine.
Molecular consequence: missense variant. On other transcripts: 5 prime UTR variant (4).
Genome position (GRCh38, 1-based): chr12:32,896,652, C>G on the plus strand (G>C on the coding strand, the complement: PKP2 is on the minus strand). VCF-style: chr12-32896652-C-G. GRCh37 (hg19) VCF-style: chr12-33049586-C-G.
Other names: c.80G>C, p.Ser27Thr (NM_001407155.1, NM_001407156.1, NM_004572.4 and 2 more transcripts); c.-747G>C (NM_001407158.1, NM_001407162.1); c.-511G>C (NM_001407159.1, NM_001407160.1); short protein forms S27T.
Identifiers: ClinVar variation 4759141 (VCV004759141.1).

ClinVar aggregate classification (germline): Uncertain significance (1 of 4 stars; one submission).

Conditions:
Cardiomyopathy (CMYO). Also called: Cardiomyopathies. Identifiers: Orphanet 167848, MedGen C0878544, MONDO:0004994, HP:0001638. Inheritance: Various modes of inheritance.

Submission:

Color Diagnostics, LLC DBA Color Health
Classification: Uncertain significance for Cardiomyopathy. Last evaluated: 2025-08-07. Review status: criteria provided, single submitter. Criteria: ACMG Guidelines, 2015. Collection method: clinical testing. Allele origin: germline.
Comment: This missense variant replaces serine with threonine at codon 27 of the PKP2 protein. Computational prediction suggests that this variant may not impact protein structure and function. To our knowledge, functional studies have not been reported for this variant. This variant has not been reported in individuals affected with PKP2-related disorders in the literature. This variant has not been identified in the general population by the Genome Aggregation Database (gnomAD). The available evidence is insufficient to determine the role of this variant in disease conclusively. Therefore, this variant is classified as a Variant of Uncertain Significance.